The following is an entry in ClinVar:

ClinVar aggregate classification (germline): Likely benign (1 of 4 stars; one submission).

Submission:

CeGaT Center for Human Genetics Tuebingen
Classification: Likely benign. Last evaluated: 2026-04-01. Review status: criteria provided, single submitter. Criteria: CeGaT Center For Human Genetics Tuebingen Variant Classification Criteria Version 2. Collection method: clinical testing. Allele origin: germline. Affected: yes. Observed: 1 variant allele.
Comment: TPRKB: PM2:Supporting, BP4, BP7

NM_016058.5(TPRKB):c.142-365G>T

Gene: TPRKB (TP53RK binding protein; minus strand). Cytogenetic location: 2p13.1.
Variant type: single nucleotide variant.
Coding change: c.142-365G>T on transcript NM_016058.5 (MANE Select); 365 bases into the intron before coding-DNA position 142, G replaced by T.
Molecular consequence: intron variant. On other transcripts: synonymous variant (3).
Genome position (GRCh38, 1-based): chr2:73,732,650, C>A on the plus strand (G>T on the coding strand, the complement: TPRKB is on the minus strand). VCF-style: chr2-73732650-C-A. GRCh37 (hg19) VCF-style: chr2-73959777-C-A.
Other names: c.192G>T, p.Thr64= (NM_001330386.2, NM_001330387.2); c.21G>T, p.Thr7= (NM_001330390.2); c.43-365G>T (NM_001330391.2, NM_001330392.2); c.142-365G>T (NM_001330389.2, NM_001330388.2).
Identifiers: ClinVar variation 4872517 (VCV004872517.2).
Genomic context (GRCh38, chr2:73,732,650, plus strand): 5'-TCCCAGCAACTCAGGAGGCTGAGGCAGGACAATTGCTTGAACCCGGGAGGCAGAGGTTGC[C>A]GTGAGCCAAGATCGCGCCATTGCACTCCAGCCTGGGCAACAAGAGTGAAACTGTCTCAAA-3'